The following is an entry in ClinVar:

NM_173598.6(KSR2):c.1061A>T (p.Gln354Leu)

Gene: KSR2 (kinase suppressor of ras 2; minus strand). Cytogenetic location: 12q24.22.
Variant type: single nucleotide variant.
Coding change: c.1061A>T on transcript NM_173598.6 (MANE Select); coding-DNA position 1061, A replaced by T.
Protein change: p.Gln354Leu; replaces glutamine 354 with leucine.
Molecular consequence: missense variant.
Genome position (GRCh38, 1-based): chr12:117,667,584, T>A on the plus strand (A>T on the coding strand, the complement: KSR2 is on the minus strand). VCF-style: chr12-117667584-T-A. GRCh37 (hg19) VCF-style: chr12-118105389-T-A.
Other names: short protein forms Q354L.
Identifiers: ClinVar variation 4999791 (VCV004999791.1).

ClinVar aggregate classification (germline): Uncertain significance (1 of 4 stars; one submission).

Conditions:
KSR2-related disorder. Also called: KSR2-related condition.

Submission:

PreventionGenetics, part of Exact Sciences
Classification: Uncertain significance for KSR2-related condition. Last evaluated: 2024-12-18. Review status: criteria provided, single submitter. Criteria: ACMG Guidelines, 2015. Collection method: clinical testing. Allele origin: germline.
Comment: The KSR2 c.974A>T variant is predicted to result in the amino acid substitution p.Gln325Leu. To our knowledge, this variant has not been reported in the literature or in a large population database (gnomAD), indicating this variant is rare. At this time, the clinical significance of this variant is uncertain due to the absence of conclusive functional and genetic evidence.